The following is an entry in ClinVar:

ClinVar aggregate classification (germline): Uncertain significance. Review status: criteria provided, multiple submitters, no conflicts (2 of 4 stars). 2 submissions from 2 submitters: Uncertain significance (2). Last evaluated 2025-12-23.

Conditions:
Renal cell carcinoma. Identifiers: Orphanet 217071, MedGen C0007134, MeSH D002292, MONDO:0005086, HP:0005584.
Hereditary cancer-predisposing syndrome. Also called: Neoplastic Syndromes, Hereditary; Tumor predisposition; Hereditary Cancer Syndrome; Hereditary neoplastic syndrome. Identifiers: Orphanet 140162, MedGen C0027672, MeSH D009386, MONDO:0015356.

Submissions (2):

Labcorp Genetics (formerly Invitae), Labcorp
Classification: Uncertain significance for Renal cell carcinoma. Last evaluated: 2025-12-23. Review status: criteria provided, single submitter. Criteria: Invitae Variant Classification Sherloc (09022015). Collection method: clinical testing. Allele origin: germline.
Comment: This sequence change replaces aspartic acid, which is acidic and polar, with histidine, which is basic and polar, at codon 127 of the MET protein (p.Asp127His). This variant is not present in population databases (gnomAD no frequency). This variant has not been reported in the literature in individuals affected with MET-related conditions. ClinVar contains an entry for this variant (Variation ID: 640383). An algorithm developed to predict the effect of missense changes on protein structure and function (PolyPhen-2) suggests that this variant is likely to be disruptive. In summary, the available evidence is currently insufficient to determine the role of this variant in disease. Therefore, it has been classified as a Variant of Uncertain Significance.

Ambry Genetics
Classification: Uncertain significance for Hereditary cancer-predisposing syndrome. Last evaluated: 2025-11-12. Review status: criteria provided, single submitter. Criteria: Ambry Variant Classification Scheme 2023. Collection method: clinical testing. Allele origin: germline.
Comment: The p.D127H variant (also known as c.379G>C), located in coding exon 1 of the MET gene, results from a G to C substitution at nucleotide position 379. The aspartic acid at codon 127 is replaced by histidine, an amino acid with similar properties. This amino acid position is conserved. In addition, this alteration is predicted to be tolerated by in silico analysis. Based on the available evidence, the clinical significance of this variant remains unclear.

NM_000245.4(MET):c.379G>C (p.Asp127His)

Gene: MET (MET proto-oncogene, receptor tyrosine kinase; plus strand). Cytogenetic location: 7q31.2.
Variant type: single nucleotide variant.
Coding change: c.379G>C on transcript NM_000245.4 (MANE Select); coding-DNA position 379, G replaced by C.
Protein change: p.Asp127His; replaces aspartic acid 127 with histidine.
Molecular consequence: missense variant. On other transcripts: intron variant (1).
Genome position (GRCh38, 1-based): chr7:116,699,463, G>C. VCF-style: chr7-116699463-G-C. GRCh37 (hg19) VCF-style: chr7-116339517-G-C.
Other names: c.379G>C, p.Asp127His (NM_001127500.3, NM_001324401.3); c.-91+26886G>C (NM_001324402.2); short protein forms D127H.
Identifiers: ClinVar variation 640383 (VCV000640383.13), dbSNP rs1584876615, ClinGen allele CA368968946.
Genomic context (GRCh38, chr7:116,699,463, plus strand): 5'-TTATCAGGAGGTGTTTGGAAAGATAACATCAACATGGCTCTAGTTGTCGACACCTACTAT[G>C]ATGATCAACTCATTAGCTGTGGCAGCGTCAACAGAGGGACCTGCCAGCGACATGTCTTTC-3'
Protein context (NP_000236.2, residues 117-137): NMALVVDTYY[Asp127His]DQLISCGSVN